The following is an entry in ClinVar:

ClinVar aggregate classification (germline): Uncertain significance (1 of 4 stars; one submission).

Conditions:
Dilated cardiomyopathy 1AA (CMD1AA). Also called: CARDIOMYOPATHY, DILATED, 1AA, WITH OR WITHOUT LEFT VENTRICULAR NONCOMPACTION; CARDIOMYOPATHY, FAMILIAL HYPERTROPHIC, 23, WITH OR WITHOUT LEFT VENTRICULAR NONCOMPACTION; Cardiomyopathy, dilated, 1AA, with or without LVNC. Identifiers: Orphanet 154, MedGen C2677338, MONDO:0012808, OMIM 612158.
Primary familial hypertrophic cardiomyopathy (HCM). Identifiers: Orphanet 99739, MedGen C0949658, MeSH D024741, MONDO:0024573. Inheritance: Various modes of inheritance.

Submission:

Labcorp Genetics (formerly Invitae), Labcorp
Classification: Uncertain significance for Primary familial hypertrophic cardiomyopathy; Dilated cardiomyopathy 1AA. Last evaluated: 2021-02-21. Review status: criteria provided, single submitter. Criteria: Invitae Variant Classification Sherloc (09022015). Collection method: clinical testing. Allele origin: germline.
Comment: This sequence change replaces isoleucine with threonine at codon 117 of the ACTN2 protein (p.Ile117Thr). The isoleucine residue is highly conserved and there is a moderate physicochemical difference between isoleucine and threonine. The frequency data for this variant in the population databases is not available, as this variant may be reported as separate entries in the ExAC database. This variant has not been reported in the literature in individuals with ACTN2-related conditions. Experimental studies and prediction algorithms are not available or were not evaluated, and the functional significance of this variant is currently unknown. In summary, the available evidence is currently insufficient to determine the role of this variant in disease. Therefore, it has been classified as a Variant of Uncertain Significance.

NM_001103.4(ACTN2):c.350_351delinsCC (p.Ile117Thr)

Gene: ACTN2 (actinin alpha 2; plus strand). Cytogenetic location: 1q43.
Variant type: Indel.
Coding change: c.350_351delinsCC on transcript NM_001103.4 (MANE Select); coding-DNA positions 350 to 351, TT replaced by CC.
Protein change: p.Ile117Thr; replaces isoleucine 117 with threonine.
Molecular consequence: missense variant. On other transcripts: 5 prime UTR variant (1).
Genome position (GRCh38, 1-based): chr1:236,719,002-236,719,003, TT replaced by CC. VCF-style: chr1-236719002-TT-CC. GRCh37 (hg19) VCF-style: chr1-236882302-TT-CC.
Other names: c.350_351delinsCC, p.Ile117Thr (NM_001278343.2); c.-472_-471delinsCC (NM_001278344.2); short protein forms I117T.
Identifiers: ClinVar variation 1512427 (VCV001512427.1), dbSNP rs2102894975, ClinGen allele CA2573132809.
Genomic context (GRCh38, chr1:236,719,002, plus strand): 5'-TTGCTAATGTCAACAAAGCTTTGGATTACATAGCCAGCAAAGGGGTGAAACTGGTGTCCA[TT>CC]GGCGCTGAAGGTGAGAGGTGTGGTGGGTGGTCCTGTCTGCCACACTGACCTAATAGCGTA-3'
Protein context (NP_001094.1, residues 107-127): IASKGVKLVS[Ile117Thr]GAEEIVDGNV